The following is an entry in ClinVar:

ClinVar aggregate classification (germline): Uncertain significance (1 of 4 stars; one submission).

Conditions:
Hereditary cancer-predisposing syndrome. Also called: Tumor predisposition; Hereditary Cancer Syndrome; Hereditary neoplastic syndrome; Neoplastic Syndromes, Hereditary. Identifiers: Orphanet 140162, MedGen C0027672, MeSH D009386, MONDO:0015356.

Submission:

Ambry Genetics
Classification: Uncertain significance for Hereditary cancer-predisposing syndrome. Last evaluated: 2024-05-30. Review status: criteria provided, single submitter. Criteria: Ambry Variant Classification Scheme 2023. Collection method: clinical testing. Allele origin: germline.
Comment: The p.L183V variant (also known as c.547T>G), located in coding exon 3 of the MSH6 gene, results from a T to G substitution at nucleotide position 547. The leucine at codon 183 is replaced by valine, an amino acid with highly similar properties. This amino acid position is conserved. In addition, this alteration is predicted to be tolerated by in silico analysis. Based on the available evidence, the clinical significance of this variant remains unclear.

NM_000179.3(MSH6):c.547T>G (p.Leu183Val)

Gene: MSH6 (mutS homolog 6; plus strand). Cytogenetic location: 2p16.3.
Variant type: single nucleotide variant.
Coding change: c.547T>G on transcript NM_000179.3 (MANE Select); coding-DNA position 547, T replaced by G.
Protein change: p.Leu183Val; replaces leucine 183 with valine.
Molecular consequence: missense variant. On other transcripts: 5 prime UTR variant (2), non-coding transcript variant (5), intron variant (8).
Genome position (GRCh38, 1-based): chr2:47,795,983, T>G. VCF-style: chr2-47795983-T-G. GRCh37 (hg19) VCF-style: chr2-48023122-T-G.
Other names: c.-356T>G (NM_001281494.2); c.643T>G, p.Leu215Val (NM_001406795.1, NM_001406802.1); c.547T>G, p.Leu183Val (NM_001406796.1, NM_001406798.1, NM_001406800.1 and 5 more transcripts); c.250T>G, p.Leu84Val (NM_001406797.1, NM_001406801.1, NM_001406805.1 and 10 more transcripts); c.22T>G, p.Leu8Val (NM_001406799.1, NM_001406806.1, NM_001406807.1); c.469T>G, p.Leu157Val (NM_001406804.1); c.553T>G, p.Leu185Val (NM_001406813.1); c.-448T>G (NM_001406814.1); and 3 more; short protein forms L215V, L185V, L84V, L157V, L127V, L183V, L8V.
Identifiers: ClinVar variation 3296416 (VCV003296416.1).